The following is an entry in ClinVar:

ClinVar aggregate classification (germline): Uncertain significance. Review status: criteria provided, multiple submitters, no conflicts (2 of 4 stars). 3 submissions from 3 submitters: Uncertain significance (3). Last evaluated 2025-06-03.

Conditions:
SLC25A32-related disorder. Also called: SLC25A32-related condition.

Allele frequency attached by ClinVar (database versions not stated): gnomAD 0.00001; TOPMed 0.00001; ExAC 0.00003; gnomAD exomes 0.00009.
gnomAD v4.1: 125 of 1,591,226 alleles (0.0079%); highest among the groups gnomAD compares: Non-Finnish European, 0.01%; no homozygotes.

Submissions (3):

PreventionGenetics, part of Exact Sciences
Classification: Uncertain significance for SLC25A32-related condition. Last evaluated: 2025-06-03. Review status: criteria provided, single submitter. Criteria: ACMG Guidelines, 2015. Collection method: clinical testing. Allele origin: germline.
Comment: The SLC25A32 c.290G>A variant is predicted to result in the amino acid substitution p.Gly97Glu. To our knowledge, this variant has not been reported in the literature. This variant is reported in 0.0027% of alleles in individuals of European (Non-Finnish) descent in gnomAD. At this time, the clinical significance of this variant is uncertain due to the absence of conclusive functional and genetic evidence.

Labcorp Genetics (formerly Invitae), Labcorp
Classification: Uncertain significance. Last evaluated: 2025-03-18. Review status: criteria provided, single submitter. Criteria: Invitae Variant Classification Sherloc (09022015). Collection method: clinical testing. Allele origin: germline.
Comment: This sequence change replaces glycine, which is neutral and non-polar, with glutamic acid, which is acidic and polar, at codon 97 of the SLC25A32 protein (p.Gly97Glu). This variant is present in population databases (rs763890749, gnomAD 0.003%). This variant has not been reported in the literature in individuals affected with SLC25A32-related conditions. ClinVar contains an entry for this variant (Variation ID: 2314471). Invitae Evidence Modeling of protein sequence and biophysical properties (such as structural, functional, and spatial information, amino acid conservation, physicochemical variation, residue mobility, and thermodynamic stability) indicates that this missense variant is expected to disrupt SLC25A32 protein function with a positive predictive value of 80%. In summary, the available evidence is currently insufficient to determine the role of this variant in disease. Therefore, it has been classified as a Variant of Uncertain Significance.

Ambry Genetics
Classification: Uncertain significance. Last evaluated: 2022-09-29. Review status: criteria provided, single submitter. Criteria: Ambry Variant Classification Scheme 2023. Collection method: clinical testing. Allele origin: germline.

NM_030780.5(SLC25A32):c.290G>A (p.Gly97Glu)

Gene: SLC25A32 (solute carrier family 25 member 32; minus strand). Cytogenetic location: 8q22.3.
Variant type: single nucleotide variant.
Coding change: c.290G>A on transcript NM_030780.5 (MANE Select); coding-DNA position 290, G replaced by A.
Protein change: p.Gly97Glu; replaces glycine 97 with glutamic acid.
Molecular consequence: missense variant. On other transcripts: non-coding transcript variant (2).
Genome position (GRCh38, 1-based): chr8:103,407,649, C>T on the plus strand (G>A on the coding strand, the complement: SLC25A32 is on the minus strand). VCF-style: chr8-103407649-C-T. GRCh37 (hg19) VCF-style: chr8-104419877-C-T.
Other names: c.290G>A (NM_030780.4); short protein forms G97E.
Identifiers: ClinVar variation 2314471 (VCV002314471.4), dbSNP rs763890749, ClinGen allele CA4835526.